The following is an entry in ClinVar:

ClinVar aggregate classification (germline): Likely benign. Review status: criteria provided, multiple submitters, no conflicts (2 of 4 stars). 4 submissions from 4 submitters: Likely benign (4). Last evaluated 2025-05-02.

Conditions:
Inborn genetic diseases. Identifiers: MedGen C0950123, MeSH D030342.
Sotos syndrome (SOTOS). Also called: Sotos' syndrome; Distinctive facial appearance, overgrowth in childhood, and learning disabilities or delayed development; CEREBRAL GIGANTISM; SOTOS SYNDROME 1; CHROMOSOME 5q35 DELETION SYNDROME. Identifiers: Orphanet 821, MedGen C0175695, MONDO:0019349, OMIM 117550.

Allele frequency attached by ClinVar (database versions not stated): TOPMed 0.00001; gnomAD 0.00002; ExAC 0.00003; gnomAD exomes 0.00003 and 0.00004.

Submissions (4):

Labcorp Genetics (formerly Invitae), Labcorp
Classification: Likely benign. Last evaluated: 2025-05-02. Review status: criteria provided, single submitter. Criteria: Invitae Variant Classification Sherloc (09022015). Collection method: clinical testing. Allele origin: germline.

CeGaT Center for Human Genetics Tuebingen
Classification: Likely benign. Last evaluated: 2024-08-01. Review status: criteria provided, single submitter. Criteria: CeGaT Center For Human Genetics Tuebingen Variant Classification Criteria Version 2. Collection method: clinical testing. Allele origin: germline. Affected: yes. Observed: 1 variant allele.
Comment: NSD1: BP4, BP7

Fulgent Genetics
Classification: Likely benign for Sotos syndrome. Last evaluated: 2021-11-06. Review status: criteria provided, single submitter. Criteria: ACMG Guidelines, 2015. Collection method: clinical testing. Allele origin: unknown.

Ambry Genetics
Classification: Likely benign for Inborn genetic diseases. Last evaluated: 2016-10-27. Review status: criteria provided, single submitter. Criteria: Ambry Variant Classification Scheme 2023. Collection method: clinical testing. Allele origin: germline.

NM_022455.5(NSD1):c.1176C>T (p.Phe392=)

Gene: NSD1 (nuclear receptor binding SET domain protein 1; plus strand). Cytogenetic location: 5q35.3.
Variant type: single nucleotide variant.
Coding change: c.1176C>T on transcript NM_022455.5 (MANE Select); coding-DNA position 1176, C replaced by T.
Protein change: p.Phe392=; no amino-acid change (phenylalanine 392 retained).
Molecular consequence: synonymous variant.
Genome position (GRCh38, 1-based): chr5:177,204,232, C>T. VCF-style: chr5-177204232-C-T. GRCh37 (hg19) VCF-style: chr5-176631233-C-T.
Other names: c.303C>T, p.Phe101= (NM_001365684.2, NM_001409306.1, NM_001409307.1 and 3 more transcripts); c.1176C>T, p.Phe392= (NM_001409301.1, NM_001409302.1, NM_001409303.1); c.756C>T, p.Phe252= (NM_001409304.1); c.423C>T, p.Phe141= (NM_001409305.1).
Identifiers: ClinVar variation 588374 (VCV000588374.31), dbSNP rs763543904, ClinGen allele CA3577045.